The following is an entry in ClinVar:

ClinVar aggregate classification (germline): Uncertain significance. Review status: criteria provided, multiple submitters, no conflicts (2 of 4 stars). 2 submissions from 2 submitters: Uncertain significance (2). Last evaluated 2024-02-11.

Allele frequency attached by ClinVar (database versions not stated): ExAC 0.00001; gnomAD 0.00001; gnomAD exomes 0.00001 and 0.00002.
gnomAD v4.1: 24 of 1,614,098 alleles (0.0015%); highest among the groups gnomAD compares: South Asian, 0.0033%; no homozygotes.

Submissions (2):

Labcorp Genetics (formerly Invitae), Labcorp
Classification: Uncertain significance. Last evaluated: 2024-02-11. Review status: criteria provided, single submitter. Criteria: Invitae Variant Classification Sherloc (09022015). Collection method: clinical testing. Allele origin: germline.
Comment: This sequence change replaces isoleucine, which is neutral and non-polar, with methionine, which is neutral and non-polar, at codon 104 of the OPA1 protein (p.Ile104Met). This variant is present in population databases (rs755117948, gnomAD 0.003%). This missense change has been observed in individual(s) with autosomal dominant OPA1-related conditions (PMID: 27896119). ClinVar contains an entry for this variant (Variation ID: 1684976). Advanced modeling of protein sequence and biophysical properties (such as structural, functional, and spatial information, amino acid conservation, physicochemical variation, residue mobility, and thermodynamic stability) performed at Invitae indicates that this missense variant is not expected to disrupt OPA1 protein function with a negative predictive value of 80%. In summary, the available evidence is currently insufficient to determine the role of this variant in disease. Therefore, it has been classified as a Variant of Uncertain Significance.

Mendelics
Classification: Uncertain significance. Last evaluated: 2022-05-04. Review status: criteria provided, single submitter. Criteria: Mendelics Assertion Criteria 2019. Collection method: clinical testing. Allele origin: germline.

Literature cited by the submitters: PubMed 27896119 (cited by Labcorp Genetics (formerly Invitae), Labcorp).

NM_130837.3(OPA1):c.312A>G (p.Ile104Met)

Gene: OPA1 (OPA1 mitochondrial dynamin like GTPase; plus strand). Cytogenetic location: 3q29.
Variant type: single nucleotide variant.
Coding change: c.312A>G on transcript NM_130837.3 (MANE Select); coding-DNA position 312, A replaced by G.
Protein change: p.Ile104Met; replaces isoleucine 104 with methionine.
Molecular consequence: missense variant. On other transcripts: 5 prime UTR variant (2).
Genome position (GRCh38, 1-based): chr3:193,615,002, A>G. VCF-style: chr3-193615002-A-G. GRCh37 (hg19) VCF-style: chr3-193332791-A-G.
Other names: c.-61A>G (NM_001354663.2, NM_001354664.2); c.312A>G, p.Ile104Met (NM_015560.3, NM_130831.3, NM_130832.3 and 4 more transcripts); short protein forms I104M.
Identifiers: ClinVar variation 1684976 (VCV001684976.4), dbSNP rs755117948, ClinGen allele CA2758976.
Genomic context (GRCh38, chr3:193,615,002, plus strand): 5'-TCGCAGGAATTTTTGGCCAGCAAGATTAGCTACGAGACTCTTAAAACTTCGCTATCTCAT[A>G]CTAGGATCGGCTGTTGGGGGTGGCTACACAGCCAAAAAGGTGAACTTGACATTCCTCCTG-3'
Protein context (NP_570850.2, residues 94-114): ATRLLKLRYL[Ile104Met]LGSAVGGGYT